The following is an entry in ClinVar:

ClinVar aggregate classification (germline): Conflicting classifications of pathogenicity. Review status: criteria provided, conflicting classifications (1 of 4 stars). 5 submissions from 4 submitters: Uncertain significance (2); Benign (1); Likely benign (2). Last evaluated 2025-09-10.

Conditions:
WFS1-Related Spectrum Disorders.
Autosomal dominant nonsyndromic hearing loss 6 (LFSNHL). Also called: DEAFNESS, AUTOSOMAL DOMINANT 6; DEAFNESS, AUTOSOMAL DOMINANT 14; DEAFNESS, AUTOSOMAL DOMINANT 38; Autosomal dominant nonsyndromic deafness 6; DIDMOAD (Diabetes Insipidus, Diabetes Mellitus, Optic Atrophy, and Deafness). Identifiers: Orphanet 90635, MedGen C1833021, MONDO:0010963, OMIM 600965.
Wolfram syndrome 1 (WFS1). Identifiers: Orphanet 3463, MedGen C4551693, MONDO:0009101, OMIM 222300.

Allele frequency attached by ClinVar (database versions not stated): gnomAD 0.00002 and 0.00003; TOPMed 0.00002; ExAC 0.00003; gnomAD exomes 0.00005 and 0.00006; 1000 Genomes Project 30x 0.00016; 1000 Genomes Project 0.00020.
gnomAD v4.1: 89 of 1,608,274 alleles (0.0055%); highest among the groups gnomAD compares: Non-Finnish European, 0.0066%; no homozygotes.

Submissions (5):

Labcorp Genetics (formerly Invitae), Labcorp
Classification: Likely benign. Last evaluated: 2025-09-10. Review status: criteria provided, single submitter. Criteria: Invitae Variant Classification Sherloc (09022015). Collection method: clinical testing. Allele origin: germline.

GeneDx
Classification: Likely benign. Last evaluated: 2021-09-18. Review status: criteria provided, single submitter. Criteria: GeneDx Variant Classification Process June 2021. Collection method: clinical testing. Allele origin: germline. Affected: yes.

Illumina Laboratory Services, Illumina
Classification: Uncertain significance for WFS1-Related Spectrum Disorders. Last evaluated: 2018-01-13. Review status: criteria provided, single submitter. Criteria: ICSL Variant Classification Criteria 13 December 2019. Collection method: clinical testing. Allele origin: germline.

Illumina Laboratory Services, Illumina
Classification: Uncertain significance for Autosomal dominant nonsyndromic hearing loss 6. Last evaluated: 2018-01-13. Review status: criteria provided, single submitter. Criteria: ICSL Variant Classification Criteria 13 December 2019. Collection method: clinical testing. Allele origin: germline.

Clinical Genomics, Uppaluri K&H Personalized Medicine Clinic
Classification: Benign for Wolfram syndrome 1. Review status: criteria provided, single submitter. Criteria: K & H Uppaluri Personalized Medicine Clinic Variant Classification & Assertion Criteria_Updated V.1. Collection method: research. Allele origin: unknown. Inheritance: Autosomal recessive inheritance.
Comment: Potent mutations in WFS1 gene are associated with Wolfram's syndrome, an autosomal recessive condition, which cause diabetes mellitus, diabetes insipidus, deafness and optic atrophy. However no sufficient evidence is found to ascertain the role of this particular variant rs200385504 in Wolfram's syndrome yet.

Literature cited by the submitters: PubMed 20738327 (cited by Clinical Genomics, Uppaluri K&H Personalized Medicine Clinic); PubMed 33879153 (cited by Clinical Genomics, Uppaluri K&H Personalized Medicine Clinic); PubMed 12955714 (cited by Clinical Genomics, Uppaluri K&H Personalized Medicine Clinic); PubMed 18060660 (cited by Clinical Genomics, Uppaluri K&H Personalized Medicine Clinic); PubMed 20301750 (cited by Clinical Genomics, Uppaluri K&H Personalized Medicine Clinic); PubMed 17603484 (cited by Clinical Genomics, Uppaluri K&H Personalized Medicine Clinic).

NM_006005.3(WFS1):c.345C>T (p.Gly115=)

Gene: WFS1 (wolframin ER transmembrane glycoprotein; plus strand). Cytogenetic location: 4p16.1.
Variant type: single nucleotide variant.
Coding change: c.345C>T on transcript NM_006005.3 (MANE Select); coding-DNA position 345, C replaced by T.
Protein change: p.Gly115=; no amino-acid change (glycine 115 retained).
Molecular consequence: synonymous variant.
Genome position (GRCh38, 1-based): chr4:6,289,016, C>T. VCF-style: chr4-6289016-C-T. GRCh37 (hg19) VCF-style: chr4-6290743-C-T.
Other names: c.345C>T, p.Gly115= (NM_001145853.1).
Identifiers: ClinVar variation 507540 (VCV000507540.14), dbSNP rs200385504, ClinGen allele CA2838869.